The following is an entry in ClinVar:

ClinVar aggregate classification (germline): Uncertain significance. Review status: criteria provided, multiple submitters, no conflicts (2 of 4 stars). 3 submissions from 3 submitters: Uncertain significance (3). Last evaluated 2025-06-11.
ClinVar aggregate classification (somatic clinical impact): Tier I - Strong (1 of 4 stars; one submission).

Conditions:
Ataxia-telangiectasia syndrome (AT). Also called: Ataxia-telangiectasia; LOUIS-BAR SYNDROME; Ataxia-telangiectasia, complementation group D; AT, COMPLEMENTATION GROUP C; ATAXIA-TELANGIECTASIA, COMPLEMENTATION GROUP A; ATAXIA-TELANGIECTASIA, FRESNO VARIANT. Identifiers: Orphanet 100, MedGen C0004135, MONDO:0008840, OMIM 208900.
Hereditary cancer-predisposing syndrome. Also called: Tumor predisposition; Neoplastic Syndromes, Hereditary; Hereditary Cancer Syndrome; Hereditary neoplastic syndrome. Identifiers: Orphanet 140162, MedGen C0027672, MeSH D009386, MONDO:0015356.
Diffuse pediatric-type high-grade glioma, H3-wildtype and IDH-wildtype. Identifiers: MedGen C5669918, MONDO:0858939.

Submissions (4):

Labcorp Genetics (formerly Invitae), Labcorp
Classification: Uncertain significance for Ataxia-telangiectasia syndrome. Last evaluated: 2025-06-11. Review status: criteria provided, single submitter. Criteria: Invitae Variant Classification Sherloc (09022015). Collection method: clinical testing. Allele origin: germline.
Comment: This sequence change replaces serine, which is neutral and polar, with proline, which is neutral and non-polar, at codon 2941 of the ATM protein (p.Ser2941Pro). This variant is not present in population databases (gnomAD no frequency). This variant has not been reported in the literature in individuals affected with ATM-related conditions. ClinVar contains an entry for this variant (Variation ID: 1311740). Invitae Evidence Modeling of protein sequence and biophysical properties (such as structural, functional, and spatial information, amino acid conservation, physicochemical variation, residue mobility, and thermodynamic stability) has been performed for this missense variant. However, the output from this modeling did not meet the statistical confidence thresholds required to predict the impact of this variant on ATM protein function. In summary, the available evidence is currently insufficient to determine the role of this variant in disease. Therefore, it has been classified as a Variant of Uncertain Significance.

Institute for Genomic Medicine (IGM) Clinical Laboratory, Nationwide Children's Hospital
Classification: Tier I - Strong for Diffuse pediatric-type high-grade glioma, H3-wildtype and IDH-wildtype. Assertion type: diagnostic. Clinical significance: supports diagnosis. Last evaluated: 2023-09-25. Review status: criteria provided, single submitter. Criteria: AMP/ASCO/CAP Guidelines, 2017. Collection method: clinical testing. Allele origin: somatic. Affected: yes.
Comment: Variant has Tier I (strong) clinical significance as a diagnostic inclusion criterion in diffuse pediatric-type high-grade glioma, H3-wildtype and IDH-wildtype, based on the following evidence: 1) Diagnostic for a specific tumor type/classification based on well-powered studies with expert-level consensus (Evidence Level B; PMIDs: 28966033, 29763623, 28912153).

Ambry Genetics
Classification: Uncertain significance for Hereditary cancer-predisposing syndrome. Last evaluated: 2022-05-27. Review status: criteria provided, single submitter. Criteria: Ambry Variant Classification Scheme 2023. Collection method: clinical testing. Allele origin: germline.

GeneDx
Classification: Uncertain significance. Last evaluated: 2019-09-03. Review status: criteria provided, single submitter. Criteria: GeneDx Variant Classification Process June 2021. Collection method: clinical testing. Allele origin: germline. Affected: yes.
Comment: Not observed in large population cohorts (Lek 2016); In silico analysis, which includes protein predictors and evolutionary conservation, supports a deleterious effect; Has not been previously published as pathogenic or benign to our knowledge

Literature cited by the submitters: PubMed 28966033 (cited by Institute for Genomic Medicine (IGM) Clinical Laboratory, Nationwide Children's Hospital); PubMed 29763623 (cited by Institute for Genomic Medicine (IGM) Clinical Laboratory, Nationwide Children's Hospital); PubMed 28912153 (cited by Institute for Genomic Medicine (IGM) Clinical Laboratory, Nationwide Children's Hospital).

NM_000051.4(ATM):c.8821T>C (p.Ser2941Pro)

Genes: ATM (ATM serine/threonine kinase; plus strand), C11orf65 (chromosome 11 open reading frame 65; minus strand). Cytogenetic location: 11q22.3.
Variant type: single nucleotide variant.
Coding change: c.8821T>C on transcript NM_000051.4 (MANE Select); coding-DNA position 8821, T replaced by C.
Protein change: p.Ser2941Pro; replaces serine 2941 with proline.
Molecular consequence: missense variant. On other transcripts: intron variant (2).
Genome position (GRCh38, 1-based): chr11:108,354,845, T>C. VCF-style: chr11-108354845-T-C. GRCh37 (hg19) VCF-style: chr11-108225572-T-C.
Other names: c.8821T>C, p.Ser2941Pro (NM_001351834.2); c.640+31075A>G (NM_001330368.2); c.695-19553A>G (NM_001351110.2); short protein forms S2941P.
Identifiers: ClinVar variation 1311740 (VCV001311740.11), dbSNP rs1555143549, ClinGen allele CA382525882.